The following is an entry in ClinVar:

NM_022041.4(GAN):c.1022T>C (p.Leu341Pro)

Gene: GAN (gigaxonin; plus strand). Cytogenetic location: 16q23.2.
Variant type: single nucleotide variant.
Coding change: c.1022T>C on transcript NM_022041.4 (MANE Select); coding-DNA position 1022, T replaced by C.
Protein change: p.Leu341Pro; replaces leucine 341 with proline.
Molecular consequence: missense variant.
Genome position (GRCh38, 1-based): chr16:81,362,547, T>C. VCF-style: chr16-81362547-T-C. GRCh37 (hg19) VCF-style: chr16-81396152-T-C.
Other names: c.383T>C, p.Leu128Pro (NM_001377486.1); short protein forms L341P, L128P.
Identifiers: ClinVar variation 533930 (VCV000533930.8), dbSNP rs1555511769, ClinGen allele CA396874974.
Genomic context (GRCh38, chr16:81,362,547, plus strand): 5'-TGATCTTTGCAGAAGGATTTTTGTTTGTATTCGGGGGCCAAGATGAAAATAAGCAGACTC[T>C]TAGCTCAGGAGAAAAGTATGATCCAGATGCAAATACATGGACAGCATTGCCACCTATGAA-3'
Protein context (NP_071324.1, residues 331-351): FGGQDENKQT[Leu341Pro]SSGEKYDPDA

ClinVar aggregate classification (germline): Uncertain significance (1 of 4 stars; one submission).

Conditions:
Giant axonal neuropathy 1 (GAN1). Also called: GAN-Related Neurodegeneration; GIANT AXONAL NEUROPATHY 1, AUTOSOMAL RECESSIVE. Identifiers: Orphanet 643, MedGen C1850386, MONDO:0009749, OMIM 256850.

Allele frequency attached by ClinVar (database versions not stated): gnomAD exomes below 0.00001.
gnomAD v4.1: 2 of 1,611,236 alleles (0.00012%); highest among the groups gnomAD compares: Non-Finnish European, 0.00017%; no homozygotes.

Submission:

Labcorp Genetics (formerly Invitae), Labcorp
Classification: Uncertain significance for Giant axonal neuropathy 1. Last evaluated: 2025-08-21. Review status: criteria provided, single submitter. Criteria: Invitae Variant Classification Sherloc (09022015). Collection method: clinical testing. Allele origin: germline.
Comment: This sequence change replaces leucine, which is neutral and non-polar, with proline, which is neutral and non-polar, at codon 341 of the GAN protein (p.Leu341Pro). This variant is not present in population databases (gnomAD no frequency). This variant has not been reported in the literature in individuals affected with GAN-related conditions. ClinVar contains an entry for this variant (Variation ID: 533930). Invitae Evidence Modeling of protein sequence and biophysical properties (such as structural, functional, and spatial information, amino acid conservation, physicochemical variation, residue mobility, and thermodynamic stability) has been performed for this missense variant. However, the output from this modeling did not meet the statistical confidence thresholds required to predict the impact of this variant on GAN protein function. In summary, the available evidence is currently insufficient to determine the role of this variant in disease. Therefore, it has been classified as a Variant of Uncertain Significance.